The following is an entry in ClinVar:

NM_001563.4(IMPG1):c.807+8G>C

Gene: IMPG1 (interphotoreceptor matrix proteoglycan 1; minus strand). Cytogenetic location: 6q14.1.
Variant type: single nucleotide variant.
Coding change: c.807+8G>C on transcript NM_001563.4 (MANE Select); 8 bases into the intron after coding-DNA position 807, G replaced by C.
Molecular consequence: intron variant.
Genome position (GRCh38, 1-based): chr6:76,018,710, C>G on the plus strand (G>C on the coding strand, the complement: IMPG1 is on the minus strand). VCF-style: chr6-76018710-C-G. GRCh37 (hg19) VCF-style: chr6-76728427-C-G.
Other names: c.573+8G>C (NM_001282368.2); c.807+8G>C (NM_001563.3).
Identifiers: ClinVar variation 1137825 (VCV001137825.11), dbSNP rs1460276921, ClinGen allele CA568166437.

ClinVar aggregate classification (germline): Likely benign. Review status: criteria provided, multiple submitters, no conflicts (2 of 4 stars). 3 submissions from 3 submitters: Likely benign (3). Last evaluated 2025-01-24.

Conditions:
IMPG1-related disorder. Also called: IMPG1-related condition.

Allele frequency attached by ClinVar (database versions not stated): gnomAD exomes below 0.00001 and 0.00002; gnomAD 0.00001; TOPMed 0.00001.
gnomAD v4.1: 27 of 1,612,356 alleles (0.0017%); highest among the groups gnomAD compares: Non-Finnish European, 0.0021%; no homozygotes.

Submissions (3):

PreventionGenetics, part of Exact Sciences
Classification: Likely benign for IMPG1-related condition. Last evaluated: 2025-01-24. Review status: criteria provided, single submitter. Criteria: ACMG Guidelines, 2015. Collection method: clinical testing. Allele origin: germline.
Comment: This variant is classified as likely benign based on ACMG/AMP sequence variant interpretation guidelines (Richards et al. 2015 PMID: 25741868, with internal and published modifications).

Blueprint Genetics
Classification: Likely benign. Last evaluated: 2024-09-10. Review status: criteria provided, single submitter. Criteria: ACMG Guidelines, 2015. Collection method: clinical testing. Allele origin: germline.

Labcorp Genetics (formerly Invitae), Labcorp
Classification: Likely benign. Last evaluated: 2022-06-10. Review status: criteria provided, single submitter. Criteria: Invitae Variant Classification Sherloc (09022015). Collection method: clinical testing. Allele origin: germline.